The following is an entry in ClinVar:

NM_006231.4(POLE):c.1139G>A (p.Gly380Asp)

Gene: POLE (DNA polymerase epsilon, catalytic subunit; minus strand). Cytogenetic location: 12q24.33.
Variant type: single nucleotide variant.
Coding change: c.1139G>A on transcript NM_006231.4 (MANE Select); coding-DNA position 1139, G replaced by A.
Protein change: p.Gly380Asp; replaces glycine 380 with aspartic acid.
Molecular consequence: missense variant.
Genome position (GRCh38, 1-based): chr12:132,675,485, C>T on the plus strand (G>A on the coding strand, the complement: POLE is on the minus strand). VCF-style: chr12-132675485-C-T. GRCh37 (hg19) VCF-style: chr12-133252071-C-T.
Other names: short protein forms G380D.
Identifiers: ClinVar variation 5027061 (VCV005027061.1).
Genomic context (GRCh38, chr12:132,675,485, plus strand): 5'-GGCGCCTTGTACTCCCCCTGGCTGTCCTTCTGGAAGCCTATCTCCTGCTGCATGCTCAGA[C>T]CGTGGACTGCTGCCCGGGCCTCCACAAATGGCCTGGGTTGGAAAGAGGACAGACAAGCAA-3'
Protein context (NP_006222.2, residues 370-390): PFVEARAAVH[Gly380Asp]LSMQQEIGFQ

ClinVar aggregate classification (germline): Uncertain significance (1 of 4 stars; one submission).

Conditions:
Hereditary cancer-predisposing syndrome. Also called: Neoplastic Syndromes, Hereditary; Tumor predisposition; Hereditary neoplastic syndrome; Hereditary Cancer Syndrome. Identifiers: Orphanet 140162, MedGen C0027672, MeSH D009386, MONDO:0015356.

Submission:

Ambry Genetics
Classification: Uncertain significance for Hereditary cancer-predisposing syndrome. Last evaluated: 2026-07-02. Review status: criteria provided, single submitter. Criteria: Ambry Variant Classification Scheme 2023. Collection method: clinical testing. Allele origin: germline.
Comment: The p.G380D variant (also known as c.1139G>A), located in coding exon 12 of the POLE gene, results from a G to A substitution at nucleotide position 1139. The glycine at codon 380 is replaced by aspartic acid, an amino acid with similar properties. This amino acid position is conserved. In addition, the in silico prediction for this alteration is inconclusive. Based on the available evidence, the clinical significance of this variant remains unclear.